The following is an entry in ClinVar:

NM_007327.4(GRIN1):c.2446G>T (p.Val816Phe)

Gene: GRIN1 (glutamate ionotropic receptor NMDA type subunit 1; plus strand). Cytogenetic location: 9q34.3.
Variant type: single nucleotide variant.
Coding change: c.2446G>T on transcript NM_007327.4 (MANE Select); coding-DNA position 2446, G replaced by T.
Protein change: p.Val816Phe; replaces valine 816 with phenylalanine.
Molecular consequence: missense variant.
Genome position (GRCh38, 1-based): chr9:137,163,761, G>T. VCF-style: chr9-137163761-G-T. GRCh37 (hg19) VCF-style: chr9-140058213-G-T.
Other names: c.2446G>T, p.Val816Phe (NM_000832.7, NM_021569.4); c.2509G>T, p.Val837Phe (NM_001185090.2, NM_001185091.2); short protein forms V816F, V837F.
Identifiers: ClinVar variation 2502881 (VCV002502881.2), dbSNP rs2538649259, ClinGen allele CA375726183.

ClinVar aggregate classification (germline): Likely pathogenic (1 of 4 stars; one submission).

Conditions:
Neurodevelopmental disorder with or without hyperkinetic movements and seizures, autosomal dominant. Also called: Intellectual disability, autosomal dominant 8. Identifiers: MedGen C3280282, MONDO:0013655, OMIM 614254.

Submission:

Center for Human Genetics and Genomic Medicine, Uniklinik Rwth Aachen
Classification: Likely pathogenic for Neurodevelopmental disorder with or without hyperkinetic movements and seizures, autosomal dominant. Last evaluated: 2023-05-19. Review status: criteria provided, single submitter. Criteria: ACMG Guidelines, 2015. Collection method: clinical testing. Allele origin: paternal. Inheritance: Autosomal dominant inheritance. Affected: yes. Observed: 1 heterozygote.
Comment: The detected change is not reported in the general population (gnomAD) (as of May 19, 2023). It has not yet been described in the ClinVar database or in the literature. It is located in a mutation hotspot of this gene (Lemke et al., 2016) and is classified bioinformatically as likely disease causing (CADDphred 29.5). The variant is currently to be regarded as a "likely pathogenic variant" (ACMG criteria).